The following is an entry in ClinVar:

ClinVar aggregate classification (germline): Uncertain significance (1 of 4 stars; one submission).

Submission:

Labcorp Genetics (formerly Invitae), Labcorp
Classification: Uncertain significance. Last evaluated: 2025-06-23. Review status: criteria provided, single submitter. Criteria: Invitae Variant Classification Sherloc (09022015). Collection method: clinical testing. Allele origin: germline.
Comment: This sequence change replaces valine, which is neutral and non-polar, with leucine, which is neutral and non-polar, at codon 10 of the TCIRG1 protein (p.Val10Leu). This variant is not present in population databases (gnomAD no frequency). This variant has not been reported in the literature in individuals affected with TCIRG1-related conditions. ClinVar contains an entry for this variant (Variation ID: 1449535). Invitae Evidence Modeling of protein sequence and biophysical properties (such as structural, functional, and spatial information, amino acid conservation, physicochemical variation, residue mobility, and thermodynamic stability) has been performed for this missense variant. However, the output from this modeling did not meet the statistical confidence thresholds required to predict the impact of this variant on TCIRG1 protein function. In summary, the available evidence is currently insufficient to determine the role of this variant in disease. Therefore, it has been classified as a Variant of Uncertain Significance.

NM_006019.4(TCIRG1):c.28G>T (p.Val10Leu)

Gene: TCIRG1 (T cell immune regulator 1, ATPase H+ transporting V0 subunit a3; plus strand). Cytogenetic location: 11q13.2.
Variant type: single nucleotide variant.
Coding change: c.28G>T on transcript NM_006019.4 (MANE Select); coding-DNA position 28, G replaced by T.
Protein change: p.Val10Leu; replaces valine 10 with leucine.
Molecular consequence: missense variant. On other transcripts: 5 prime UTR variant (1).
Genome position (GRCh38, 1-based): chr11:68,041,299, G>T. VCF-style: chr11-68041299-G-T. GRCh37 (hg19) VCF-style: chr11-67808766-G-T.
Other names: c.-1222G>T (NM_001351059.2); short protein forms V10L.
Identifiers: ClinVar variation 1449535 (VCV001449535.6), dbSNP rs1590799978, ClinGen allele CA381572594.
Genomic context (GRCh38, chr11:68,041,299, plus strand): 5'-GACTGGCCCCCATCCGTGTCCACCCACAGGACCATGGGCTCCATGTTCCGGAGCGAGGAG[G>T]TGGCCCTGGTCCAGCTCTTTCTGCCCACAGCGGCTGCCTACACCTGCGTGAGTCGGCTGG-3'
Protein context (NP_006010.2, residues 1-20): MGSMFRSEE[Val10Leu]ALVQLFLPTA